The following is an entry in ClinVar:

ClinVar aggregate classification (germline): Uncertain significance. Review status: criteria provided, multiple submitters, no conflicts (2 of 4 stars). 2 submissions from 2 submitters: Uncertain significance (2). Last evaluated 2025-09-07.

Conditions:
DICER1-related tumor predisposition. Also called: DICER1-related pleuropulmonary blastoma cancer predisposition syndrome; DICER1 syndrome. Identifiers: Orphanet 284343, MedGen C3839822, MONDO:0100216.
Hereditary cancer-predisposing syndrome. Also called: Tumor predisposition; Neoplastic Syndromes, Hereditary; Hereditary Cancer Syndrome; Hereditary neoplastic syndrome. Identifiers: Orphanet 140162, MedGen C0027672, MeSH D009386, MONDO:0015356.

Allele frequency attached by ClinVar (database versions not stated): gnomAD exomes below 0.00001.
gnomAD v4.1: 2 of 1,440,806 alleles (0.00014%); highest among the groups gnomAD compares: Non-Finnish European, 0.00019%; no homozygotes.

Submissions (2):

Labcorp Genetics (formerly Invitae), Labcorp
Classification: Uncertain significance for DICER1-related tumor predisposition. Last evaluated: 2025-09-07. Review status: criteria provided, single submitter. Criteria: Invitae Variant Classification Sherloc (09022015). Collection method: clinical testing. Allele origin: germline.
Comment: This sequence change replaces serine, which is neutral and polar, with phenylalanine, which is neutral and non-polar, at codon 887 of the DICER1 protein (p.Ser887Phe). This variant is present in population databases (rs139441077, gnomAD 0.004%). This variant has not been reported in the literature in individuals affected with DICER1-related conditions. ClinVar contains an entry for this variant (Variation ID: 477113). Invitae Evidence Modeling of protein sequence and biophysical properties (such as structural, functional, and spatial information, amino acid conservation, physicochemical variation, residue mobility, and thermodynamic stability) indicates that this missense variant is not expected to disrupt DICER1 protein function with a negative predictive value of 95%. In summary, the available evidence is currently insufficient to determine the role of this variant in disease. Therefore, it has been classified as a Variant of Uncertain Significance.

Ambry Genetics
Classification: Uncertain significance for Hereditary cancer-predisposing syndrome. Last evaluated: 2023-11-15. Review status: criteria provided, single submitter. Criteria: Ambry Variant Classification Scheme 2023. Collection method: clinical testing. Allele origin: germline.
Comment: The p.S887F variant (also known as c.2660C>T), located in coding exon 16 of the DICER1 gene, results from a C to T substitution at nucleotide position 2660. The serine at codon 887 is replaced by phenylalanine, an amino acid with highly dissimilar properties. This amino acid position is highly conserved in available vertebrate species. In addition, the in silico prediction for this alteration is inconclusive. Since supporting evidence is limited at this time, the clinical significance of this alteration remains unclear.

NM_177438.3(DICER1):c.2660C>T (p.Ser887Phe)

Gene: DICER1 (dicer 1, ribonuclease III; minus strand). Cytogenetic location: 14q32.13.
Variant type: single nucleotide variant.
Coding change: c.2660C>T on transcript NM_177438.3 (MANE Select); coding-DNA position 2660, C replaced by T.
Protein change: p.Ser887Phe; replaces serine 887 with phenylalanine.
Molecular consequence: missense variant.
Genome position (GRCh38, 1-based): chr14:95,107,752, G>A on the plus strand (C>T on the coding strand, the complement: DICER1 is on the minus strand). VCF-style: chr14-95107752-G-A. GRCh37 (hg19) VCF-style: chr14-95574089-G-A.
Other names: c.2660C>T, p.Ser887Phe (NM_001195573.1, NM_001271282.3, NM_001291628.2 and 1 more transcripts); short protein forms S887F.
Identifiers: ClinVar variation 477113 (VCV000477113.14), dbSNP rs139441077, ClinGen allele CA7331194.
Genomic context (GRCh38, chr14:95,107,752, plus strand): 5'-ATGCGAGCTTCAGACTTCTCAATATCTTCCATGAATTTAAAGTCAATATCCAAAGTGCTG[G>A]AGTCATTAACTTAGAAGAGAAAAACGACTCTTTAGCTTGTTAAAACATGATACAGATAAG-3'
Protein context (NP_803187.1, residues 877-897): CVLPLNVVND[Ser887Phe]STLDIDFKFM